The following is an entry in ClinVar:

ClinVar aggregate classification (germline): Pathogenic/Likely pathogenic. Review status: criteria provided, multiple submitters, no conflicts (2 of 4 stars). 4 submissions from 4 submitters: Pathogenic (3); Likely pathogenic (1). Last evaluated 2025-11-07.

Conditions:
Niemann-Pick disease, type C1. Also called: NEUROVISCERAL STORAGE DISEASE WITH VERTICAL SUPRANUCLEAR OPHTHALMOPLEGIA; NIEMANN-PICK DISEASE WITH CHOLESTEROL ESTERIFICATION BLOCK; NIEMANN-PICK DISEASE WITHOUT SPHINGOMYELINASE DEFICIENCY; NIEMANN-PICK DISEASE, CHRONIC NEURONOPATHIC FORM; NIEMANN-PICK DISEASE, VARIANT TYPE C1. Identifiers: Orphanet 646, MedGen C3179455, MONDO:0009757, OMIM 257220.

Submissions (4):

Women's Health and Genetics/Laboratory Corporation of America, LabCorp
Classification: Pathogenic for Niemann-Pick disease, type C1. Last evaluated: 2025-11-07. Review status: criteria provided, single submitter. Criteria: LabCorp Variant Classification Summary - May 2015. Collection method: clinical testing. Allele origin: germline.
Comment: Variant summary: NPC1 c.1140_1141delCT (p.Trp381ValfsX15) results in a premature termination codon, predicted to cause a truncation of the encoded protein or absence of the protein due to nonsense mediated decay, which are commonly known mechanisms for disease. The variant was absent in 251218 control chromosomes. To our knowledge, no occurrence of c.1140_1141delCT in individuals affected with NPC1-related conditions and no experimental evidence demonstrating its impact on protein function have been reported. ClinVar contains an entry for this variant (Variation ID: 592188). Based on the evidence outlined above, the variant was classified as pathogenic.

Natera, Inc.
Classification: Likely pathogenic for Niemann-Pick disease type C1. Last evaluated: 2024-07-03. Review status: criteria provided, single submitter. Criteria: Natera Variant Classification Schema (03/2026). Collection method: clinical testing. Allele origin: germline.
Comment: The c.1140_1141delCT variant in NPC1 is a frameshift variant predicted to shift the reading frame beginning at codon 381 and leads to a stop codon 15 codons downstream. This variant is expected to result in nonsense mediated decay, truncation, or a dysfunctional protein product. This variant is rare in the general population with a frequency below the threshold expected for the associated phenotype(s). Given the available evidence, this variant is classified as Likely Pathogenic.

Labcorp Genetics (formerly Invitae), Labcorp
Classification: Pathogenic for Niemann-Pick disease, type C1. Last evaluated: 2023-03-04. Review status: criteria provided, single submitter. Criteria: Invitae Variant Classification Sherloc (09022015). Collection method: clinical testing. Allele origin: germline.
Comment: This sequence change creates a premature translational stop signal (p.Trp381Valfs*15) in the NPC1 gene. It is expected to result in an absent or disrupted protein product. Loss-of-function variants in NPC1 are known to be pathogenic (PMID: 9211850). For these reasons, this variant has been classified as Pathogenic. This variant has not been reported in the literature in individuals affected with NPC1-related conditions. This variant is not present in population databases (gnomAD no frequency).

Eurofins Ntd Llc (ga)
Classification: Pathogenic. Last evaluated: 2017-09-01. Review status: criteria provided, single submitter. Criteria: EGL Classification Definitions 2015. Collection method: clinical testing. Allele origin: germline. Observed: 4 variant alleles, 3 heterozygotes, 1 homozygote.

Literature cited by the submitters: PubMed 9211850 (cited by Labcorp Genetics (formerly Invitae), Labcorp).

NM_000271.5(NPC1):c.1140_1141del (p.Trp381fs)

Gene: NPC1 (NPC intracellular cholesterol transporter 1; minus strand). Cytogenetic location: 18q11.2.
Variant type: Microsatellite.
Coding change: c.1140_1141del on transcript NM_000271.5 (MANE Select); coding-DNA positions 1140 to 1141, 2 bases deleted (CT; older notation c.1140_1141delCT).
Protein change: p.Trp381fs; shifts the reading frame from tryptophan 381.
Molecular consequence: frameshift variant.
Genome position (GRCh38, 1-based): chr18:23,556,428-23,556,429, AG deleted on the plus strand (CT on the coding strand, the reverse complement: NPC1 is on the minus strand); deleting any 2 consecutive bases within chr18:23,556,428-23,556,431 gives the same sequence; the c. name uses the placement nearest the transcript's 3' end. VCF-style (leftmost placement, unchanged base first): chr18-23556427-CAG-C. GRCh37 (hg19) VCF-style: chr18-21136391-CAG-C.
Other names: c.1140_1141delCT (NM_000271.5, NM_000271.4); short protein forms W381fs.
Identifiers: ClinVar variation 592188 (VCV000592188.10), dbSNP rs1567965488, ClinGen allele CA913190399.